The following is an entry in ClinVar:

NM_199355.4(ADAMTS18):c.536C>T (p.Ser179Leu)

Gene: ADAMTS18 (ADAM metallopeptidase with thrombospondin type 1 motif 18; minus strand). Cytogenetic location: 16q23.1.
Variant type: single nucleotide variant.
Coding change: c.536C>T on transcript NM_199355.4 (MANE Select); coding-DNA position 536, C replaced by T.
Protein change: p.Ser179Leu; replaces serine 179 with leucine.
Molecular consequence: missense variant.
Genome position (GRCh38, 1-based): chr16:77,367,683, G>A on the plus strand (C>T on the coding strand, the complement: ADAMTS18 is on the minus strand). VCF-style: chr16-77367683-G-A. GRCh37 (hg19) VCF-style: chr16-77401580-G-A.
Other names: c.16C>T, p.Arg6Cys (NM_001326358.2); short protein forms S179L, R6C.
Identifiers: ClinVar variation 30670 (VCV000030670.8), dbSNP rs387906972, ClinGen allele CA129390.
Genomic context (GRCh38, chr16:77,367,683, plus strand): 5'-GGATGGTGACCCGCAGGGGAGCTGTAGTTGTGTTCCTGGGCCAGAAGCTGAGGTAATGGC[G>A]AGATGAGGAATTCATTTTTTCGTGTCCTTATTAAACCTGACTAAAAAGCCAAACACAAAG-3'
Protein context (NP_955387.1, residues 169-189): IRTRKNEFLI[Ser179Leu]PLPQLLAQEH

ClinVar aggregate classification (germline): Uncertain significance. Review status: criteria provided, multiple submitters, no conflicts (2 of 4 stars). 3 submissions from 3 submitters: Uncertain significance (2). 1 of the submissions does not count toward it. Last evaluated 2025-07-31.

Conditions:
Knobloch syndrome (KNO). Also called: Myopia retinal detachment encephalocele; RETINAL DETACHMENT AND OCCIPITAL ENCEPHALOCELE. Identifiers: Orphanet 1571, MedGen C1849409, MONDO:0800166.

Allele frequency attached by ClinVar (database versions not stated): gnomAD 0.00003 and 0.00002; TOPMed 0.00001.
gnomAD v4.1: 31 of 1,614,022 alleles (0.0019%); highest among the groups gnomAD compares: South Asian, 0.016%; no homozygotes.

Submissions (3):

Labcorp Genetics (formerly Invitae), Labcorp
Classification: Uncertain significance. Last evaluated: 2025-07-31. Review status: criteria provided, single submitter. Criteria: Invitae Variant Classification Sherloc (09022015). Collection method: clinical testing. Allele origin: germline.
Comment: This sequence change replaces serine with leucine at codon 179 of the ADAMTS18 protein (p.Ser179Leu). The serine residue is moderately conserved and there is a large physicochemical difference between serine and leucine. This variant is present in population databases (rs387906972, gnomAD 0.02%). This variant has not been reported in the literature in individuals affected with ADAMTS18-related conditions. ClinVar contains an entry for this variant (Variation ID: 30670). An algorithm developed to predict the effect of missense changes on protein structure and function (PolyPhen-2) suggests that this variant is likely to be tolerated. Algorithms developed to predict the effect of sequence changes on RNA splicing suggest that this variant may disrupt the consensus splice site. In summary, the available evidence is currently insufficient to determine the role of this variant in disease. Therefore, it has been classified as a Variant of Uncertain Significance.

Blueprint Genetics
Classification: Uncertain significance. Last evaluated: 2023-02-07. Review status: criteria provided, single submitter. Criteria: ACMG Guidelines, 2015. Collection method: clinical testing. Allele origin: germline.

OMIM
Classification: Uncertain significance for RECLASSIFIED - VARIANT OF UNKNOWN SIGNIFICANCE. Last evaluated: 2013-08-01. Review status: no assertion criteria provided. Collection method: literature only. Allele origin: germline. Not counted in ClinVar's aggregate classification.

Literature cited by the submitters: PubMed 23667181 (cited by OMIM); PubMed 21862674 (cited by OMIM); Alkuraya, F. S. Personal Communication. 2011. Riyadh, Saudi Arabia (cited by OMIM).